The following is an entry in ClinVar:

NM_001032382.2(PQBP1):c.539G>A (p.Arg180His)

Gene: PQBP1 (polyglutamine binding protein 1; plus strand). Cytogenetic location: Xp11.23.
Variant type: single nucleotide variant.
Coding change: c.539G>A on transcript NM_001032382.2 (MANE Select); coding-DNA position 539, G replaced by A.
Protein change: p.Arg180His; replaces arginine 180 with histidine.
Molecular consequence: missense variant. On other transcripts: intron variant (1).
Genome position (GRCh38, 1-based): chrX:48,902,479, G>A. VCF-style: chrX-48902479-G-A. GRCh37 (hg19) VCF-style: chrX-48759756-G-A.
Other names: c.539G>A, p.Arg180His (NM_001032381.2, NM_001032383.2, NM_001032384.1 and 2 more transcripts); c.515G>A, p.Arg172His (NM_001167990.2); c.239G>A, p.Arg80His (NM_001167992.1); c.293-253G>A (NM_144495.3); short protein forms R172H, R180H, R80H.
Identifiers: ClinVar variation 983218 (VCV000983218.7), dbSNP rs907427275, ClinGen allele CA329097222.

ClinVar aggregate classification (germline): Conflicting classifications of pathogenicity. Review status: criteria provided, conflicting classifications (1 of 4 stars). 3 submissions from 3 submitters: Uncertain significance (2); Likely benign (1). Last evaluated 2022-10-25.

Conditions:
Inborn genetic diseases. Identifiers: MedGen C0950123, MeSH D030342.
Mild intellectual disability. Identifiers: MedGen C0026106, HP:0001256.

Allele frequency attached by ClinVar (database versions not stated): gnomAD exomes below 0.00001 and 0.00001; TOPMed 0.00001.
gnomAD v4.1: 3 of 1,206,324 alleles (0.00025%); highest among the groups gnomAD compares: South Asian, 0.0036%; no homozygotes.

Submissions (3):

Labcorp Genetics (formerly Invitae), Labcorp
Classification: Uncertain significance. Last evaluated: 2022-10-25. Review status: criteria provided, single submitter. Criteria: Invitae Variant Classification Sherloc (09022015). Collection method: clinical testing. Allele origin: germline.
Comment: The frequency data for this variant in the population databases is considered unreliable, as metrics indicate poor data quality at this position in the gnomAD database. This variant has not been reported in the literature in individuals affected with PQBP1-related conditions. ClinVar contains an entry for this variant (Variation ID: 983218). Advanced modeling of protein sequence and biophysical properties (such as structural, functional, and spatial information, amino acid conservation, physicochemical variation, residue mobility, and thermodynamic stability) performed at Invitae indicates that this missense variant is not expected to disrupt PQBP1 protein function. In summary, the available evidence is currently insufficient to determine the role of this variant in disease. Therefore, it has been classified as a Variant of Uncertain Significance. This sequence change replaces arginine, which is basic and polar, with histidine, which is basic and polar, at codon 180 of the PQBP1 protein (p.Arg180His).

Ambry Genetics
Classification: Uncertain significance for Inborn genetic diseases. Last evaluated: 2022-01-05. Review status: criteria provided, single submitter. Criteria: Ambry Variant Classification Scheme 2023. Collection method: clinical testing. Allele origin: germline.

Service de Biochimie Médicale et Biologie Moléculaire, CHU Clermont-Ferrand
Classification: Likely benign for Mild intellectual disability. Last evaluated: 2020-10-29. Review status: criteria provided, single submitter. Criteria: ACMG Guidelines, 2015. Collection method: clinical testing. Allele origin: maternal. Inheritance: X-linked inheritance. Affected: yes. Observed: 1 hemizygote.